The following is an entry in ClinVar:

ClinVar aggregate classification (germline): Conflicting classifications of pathogenicity. Review status: criteria provided, conflicting classifications (1 of 4 stars). 2 submissions from 2 submitters: Likely pathogenic (1); Uncertain significance (1). Last evaluated 2025-04-08.

Conditions:
Inborn genetic diseases. Identifiers: MedGen C0950123, MeSH D030342.
LEMD3-related disorder. Also called: LEMD3-related condition.

Submissions (2):

Ambry Genetics
Classification: Uncertain significance for Inborn genetic diseases. Last evaluated: 2025-04-08. Review status: criteria provided, single submitter. Criteria: Ambry Variant Classification Scheme 2023. Collection method: clinical testing. Allele origin: germline.
Comment: The c.2495delG (p.G832Vfs*32) alteration, located in exon 12 (coding exon 12) of the LEMD3 gene, consists of a deletion of one nucleotide at position 2495, causing a translational frameshift with a predicted alternate stop codon after 32 amino acids. This variant is not expected to trigger nonsense-mediated mRNA decay and impacts the last 8.8% of the protein. The exact functional effect of this alteration is unknown. This variant was not reported in population-based cohorts in the Genome Aggregation Database (gnomAD). The c.2495delG variant was reported in individual(s) with features consistent with Buschke-Ollendorff syndrome (Takashima, 2016). Based on insufficient or conflicting evidence, the clinical significance of this alteration remains unclear.

Blueprint Genetics
Classification: Likely pathogenic for LEMD3-related disorders. Last evaluated: 2022-08-08. Review status: criteria provided, single submitter. Criteria: ACMG Guidelines, 2015. Collection method: clinical testing. Allele origin: germline. Affected: yes. Observed: 2 variant alleles.

Literature cited by the submitters: PubMed 26711937 (cited by Ambry Genetics).

NM_014319.4(LEMD3):c.2495delG

Gene: LEMD3 (LEM domain containing 3; plus strand). Cytogenetic location: 12q14.3.
Variant type: Deletion.
Coding change: c.2495delG on transcript NM_014319.4; coding-DNA position 2495, one base deleted (G).
Genome position (GRCh38, 1-based): chr12:65,245,862, G deleted; the last of 3 consecutive G bases (chr12:65,245,860-65,245,862); deleting any one gives the same sequence. VCF-style (leftmost placement, unchanged base first): chr12-65245859-AG-A. GRCh37 (hg19) VCF-style: chr12-65639639-AG-A.
Identifiers: ClinVar variation 4046838 (VCV004046838.2).